The following is an entry in ClinVar:

ClinVar aggregate classification (germline): Uncertain significance (1 of 4 stars; one submission).

Allele frequency attached by ClinVar (database versions not stated): TOPMed below 0.00001; gnomAD 0.00001; gnomAD exomes 0.00001.
gnomAD v4.1: 22 of 1,575,712 alleles (0.0014%); highest among the groups gnomAD compares: Middle Eastern, 0.1%; no homozygotes.

Submission:

Athena Diagnostics
Classification: Uncertain significance. Last evaluated: 2025-07-02. Review status: criteria provided, single submitter. Criteria: Athena Diagnostics Criteria. Collection method: clinical testing. Allele origin: unknown.
Comment: Available data are insufficient to determine the clinical significance of the variant at this time. The frequency of this variant in the general population is uninformative in assessment of its pathogenicity. Polyphen and MutationTaster predict this amino acid change may be benign.

NM_000435.3(NOTCH3):c.6665C>T (p.Pro2222Leu)

Gene: NOTCH3 (notch receptor 3; minus strand). Cytogenetic location: 19p13.12.
Variant type: single nucleotide variant.
Coding change: c.6665C>T on transcript NM_000435.3 (MANE Select); coding-DNA position 6665, C replaced by T.
Protein change: p.Pro2222Leu; replaces proline 2222 with leucine.
Molecular consequence: missense variant.
Genome position (GRCh38, 1-based): chr19:15,160,963, G>A on the plus strand (C>T on the coding strand, the complement: NOTCH3 is on the minus strand). VCF-style: chr19-15160963-G-A. GRCh37 (hg19) VCF-style: chr19-15271774-G-A.
Other names: short protein forms P2222L.
Identifiers: ClinVar variation 994844 (VCV000994844.2), dbSNP rs1489373939, ClinGen allele CA404487016.
Genomic context (GRCh38, chr19:15,160,963, plus strand): 5'-TGCTCACTGGGAACCCGCAGGAAGCGGGCCTTTGGGGGGCTGCTGTGTGCCCCAGCCGCC[G>A]GGTACTCCTCGCCATGTCCTGGGACTGCCAGGTAAGGCGGGGGCCGCTCCTGCGGGGAGA-3'
Protein context (NP_000426.2, residues 2212-2232): LAVPGHGEEY[Pro2222Leu]AAGAHSSPPK